The following is an entry in ClinVar:

NM_006486.3(FBLN1):c.1698-11500G>A

Gene: FBLN1 (fibulin 1; plus strand). Cytogenetic location: 22q13.31.
Variant type: single nucleotide variant.
Coding change: c.1698-11500G>A on transcript NM_006486.3 (MANE Select); 11500 bases into the intron before coding-DNA position 1698, G replaced by A.
Molecular consequence: intron variant. On other transcripts: synonymous variant (1).
Genome position (GRCh38, 1-based): chr22:45,563,011, G>A. VCF-style: chr22-45563011-G-A. GRCh37 (hg19) VCF-style: chr22-45958891-G-A.
Other names: c.1797G>A, p.Ala599= (NM_001996.4); c.1698-1873G>A (NM_006485.4).
Identifiers: ClinVar variation 2653291 (VCV002653291.24), dbSNP rs554710590, ClinGen allele CA10287078.

ClinVar aggregate classification (germline): Likely benign (1 of 4 stars; one submission).

Allele frequency attached by ClinVar (database versions not stated): TOPMed 0.00002; gnomAD 0.00003; gnomAD exomes 0.00005; ExAC 0.00007.
gnomAD v4.1: 79 of 1,613,360 alleles (0.0049%); highest among the groups gnomAD compares: South Asian, 0.06%; 1 homozygote.

Submission:

CeGaT Center for Human Genetics Tuebingen
Classification: Likely benign. Last evaluated: 2023-06-01. Review status: criteria provided, single submitter. Criteria: CeGaT Center For Human Genetics Tuebingen Variant Classification Criteria Version 2. Collection method: clinical testing. Allele origin: germline. Affected: yes. Observed: 1 variant allele.
Comment: FBLN1: BP4, BP7